The following is an entry in ClinVar:

ClinVar aggregate classification (germline): Uncertain significance. Review status: criteria provided, multiple submitters, no conflicts (2 of 4 stars). 2 submissions from 2 submitters: Uncertain significance (2). Last evaluated 2021-05-19.

Conditions:
Epidermolysis bullosa simplex 5B, with muscular dystrophy (EBS5B). Also called: EPIDERMOLYSIS BULLOSA SIMPLEX AND LIMB-GIRDLE MUSCULAR DYSTROPHY; Epidermolysis bullosa simplex with muscular dystrophy. Identifiers: Orphanet 257, MedGen C2931072, MONDO:0009181, OMIM 226670.
Epidermolysis bullosa simplex 5C, with pyloric atresia (EBS5C). Also called: Epidermolysis bullosa simplex with pyloric atresia; PLEC-Related Epidermolysis Bullosa with Pyloric Atresia; PLEC1-Related Epidermolysis Bullosa with Pyloric Atresia. Identifiers: Orphanet 158684, MedGen C2677349, MONDO:0012807, OMIM 612138.
Autosomal recessive limb-girdle muscular dystrophy type 2Q (LGMDR17). Also called: MUSCULAR DYSTROPHY, LIMB-GIRDLE, AUTOSOMAL RECESSIVE 17. Identifiers: Orphanet 254361, MedGen C3150989, MONDO:0013390, OMIM 613723.
Epidermolysis bullosa simplex with nail dystrophy (EBS5D). Identifiers: MedGen C4225309, MONDO:0014661, OMIM 616487.
Epidermolysis bullosa simplex, Ogna type (EBS5A). Also called: Pidermolysis bullosa simplex 5A, Ogna type; EPIDERMOLYSIS BULLOSA SIMPLEX 5A, OGNA TYPE. Identifiers: Orphanet 79401, MedGen C0432317, MONDO:0007555, OMIM 131950.

gnomAD v4.1: 11 of 1,591,002 alleles (0.00069%); highest among the groups gnomAD compares: South Asian, 0.011%; no homozygotes.

Submissions (2):

Labcorp Genetics (formerly Invitae), Labcorp
Classification: Uncertain significance for Autosomal recessive limb-girdle muscular dystrophy type 2Q; Epidermolysis bullosa simplex, Ogna type; Epidermolysis bullosa simplex with nail dystrophy; Epidermolysis bullosa simplex 5C, with pyloric atresia; Epidermolysis bullosa simplex 5B, with muscular dystrophy. Last evaluated: 2021-05-19. Review status: criteria provided, single submitter. Criteria: Invitae Variant Classification Sherloc (09022015). Collection method: clinical testing. Allele origin: germline.
Comment: In summary, the available evidence is currently insufficient to determine the role of this variant in disease. Therefore, it has been classified as a Variant of Uncertain Significance. Algorithms developed to predict the effect of missense changes on protein structure and function output the following: SIFT: "Tolerated"; PolyPhen-2: "Benign"; Align-GVGD: "Class C0". The glutamic acid amino acid residue is found in multiple mammalian species, suggesting that this missense change does not adversely affect protein function. These predictions have not been confirmed by published functional studies and their clinical significance is uncertain. This variant has not been reported in the literature in individuals with PLEC-related conditions. This variant is present in population databases (rs782764977, ExAC 0.007%). This sequence change replaces aspartic acid with glutamic acid at codon 3204 of the PLEC protein (p.Asp3204Glu). The aspartic acid residue is moderately conserved and there is a small physicochemical difference between aspartic acid and glutamic acid.

Revvity Omics, Revvity
Classification: Uncertain significance. Last evaluated: 2020-02-29. Review status: criteria provided, single submitter. Criteria: ACMG Guidelines, 2015. Collection method: clinical testing. Allele origin: germline.

NM_201384.3(PLEC):c.9531C>A (p.Asp3177Glu)

Gene: PLEC (plectin; minus strand). Cytogenetic location: 8q24.3.
Variant type: single nucleotide variant.
Coding change: c.9531C>A on transcript NM_201384.3 (MANE Select); coding-DNA position 9531, C replaced by A.
Protein change: p.Asp3177Glu; replaces aspartic acid 3177 with glutamic acid.
Molecular consequence: missense variant.
Genome position (GRCh38, 1-based): chr8:143,920,290, G>T on the plus strand (C>A on the coding strand, the complement: PLEC is on the minus strand). VCF-style: chr8-143920290-G-T. GRCh37 (hg19) VCF-style: chr8-144994458-G-T.
Other names: c.9612C>A (NM_000445.3); c.9612C>A, p.Asp3204Glu (NM_000445.5); c.9489C>A, p.Asp3163Glu (NM_201378.4); c.9465C>A, p.Asp3155Glu (NM_201379.3); c.9942C>A, p.Asp3314Glu (NM_201380.4); c.9435C>A, p.Asp3145Glu (NM_201381.3); c.9531C>A, p.Asp3177Glu (NM_201382.4); c.9543C>A, p.Asp3181Glu (NM_201383.3); short protein forms D3145E, D3155E, D3204E, D3314E, D3163E, D3177E, D3181E.
Identifiers: ClinVar variation 1439752 (VCV001439752.10), dbSNP rs782764977, ClinGen allele CA4924942.